The following is an entry in ClinVar:

ClinVar aggregate classification (germline): Pathogenic. Review status: criteria provided, multiple submitters, no conflicts (2 of 4 stars). 4 submissions from 3 submitters: Pathogenic (4). Last evaluated 2024-10-16.

Conditions:
Retinitis pigmentosa (RP). Identifiers: Orphanet 791, MedGen C0035334, MeSH D012174, MONDO:0019200, OMIM 268000. Inheritance: Autosomal dominant, autosomal recessive and X linked inheritance.
Leber congenital amaurosis 8 (LCA8). Identifiers: Orphanet 65, MedGen C3151202, MONDO:0013453, OMIM 613835.
Retinitis pigmentosa 12 (RP12). Also called: RP WITH OR WITHOUT PRESERVED PARAARTERIOLE RETINAL PIGMENT EPITHELIUM; RETINITIS PIGMENTOSA WITH OR WITHOUT PARAARTERIOLAR PRESERVATION OF RETINAL PIGMENT EPITHELIUM; RP WITH OR WITHOUT PPRPE. Identifiers: Orphanet 791, MedGen C1838647, MONDO:0010818, OMIM 600105.

Submissions (4):

Labcorp Genetics (formerly Invitae), Labcorp
Classification: Pathogenic for Leber congenital amaurosis 8; Retinitis pigmentosa 12. Last evaluated: 2024-10-16. Review status: criteria provided, single submitter. Criteria: Invitae Variant Classification Sherloc (09022015). Collection method: clinical testing. Allele origin: germline.
Comment: This sequence change creates a premature translational stop signal (p.Asn7Thrfs*15) in the CRB1 gene. It is expected to result in an absent or disrupted protein product. Loss-of-function variants in CRB1 are known to be pathogenic (PMID: 10508521, 22065545, 23379534, 25412400, 26957898, 28041643, 29391521). This variant is not present in population databases (gnomAD no frequency). This variant has not been reported in the literature in individuals affected with CRB1-related conditions. ClinVar contains an entry for this variant (Variation ID: 1283919). For these reasons, this variant has been classified as Pathogenic.

Genome-Nilou Lab
Classification: Pathogenic for Leber congenital amaurosis 8. Last evaluated: 2023-04-11. Review status: criteria provided, single submitter. Criteria: ACMG Guidelines, 2015. Collection method: clinical testing. Allele origin: germline. Affected: no.

Genome-Nilou Lab
Classification: Pathogenic for Retinitis pigmentosa 12. Last evaluated: 2023-04-11. Review status: criteria provided, single submitter. Criteria: ACMG Guidelines, 2015. Collection method: clinical testing. Allele origin: germline. Affected: no.

Institute of Medical Genetics and Applied Genomics, University Hospital Tübingen
Classification: Pathogenic for Retinitis pigmentosa. Last evaluated: 2021-09-23. Review status: criteria provided, single submitter. Criteria: ACMG Guidelines, 2015. Collection method: clinical testing. Allele origin: germline. Inheritance: Autosomal recessive inheritance. Affected: yes.

Literature cited by the submitters: PubMed 10508521 (cited by Labcorp Genetics (formerly Invitae), Labcorp); PubMed 22065545 (cited by Labcorp Genetics (formerly Invitae), Labcorp); PubMed 23379534 (cited by Labcorp Genetics (formerly Invitae), Labcorp); PubMed 25412400 (cited by Labcorp Genetics (formerly Invitae), Labcorp); PubMed 26957898 (cited by Labcorp Genetics (formerly Invitae), Labcorp); PubMed 28041643 (cited by Labcorp Genetics (formerly Invitae), Labcorp); PubMed 29391521 (cited by Labcorp Genetics (formerly Invitae), Labcorp).

NM_201253.3(CRB1):c.20_23del (p.Asn7fs)

Gene: CRB1 (crumbs cell polarity complex component 1; plus strand). Cytogenetic location: 1q31.3.
Variant type: Deletion.
Coding change: c.20_23del on transcript NM_201253.3 (MANE Select); coding-DNA positions 20 to 23, 4 bases deleted (ACTA; older notation c.20_23delACTA).
Protein change: p.Asn7fs; shifts the reading frame from asparagine 7.
Molecular consequence: frameshift variant. On other transcripts: non-coding transcript variant (2), intron variant (1).
Genome position (GRCh38, 1-based): chr1:197,268,432-197,268,435, ACTA deleted; deleting any 4 consecutive bases within chr1:197,268,430-197,268,435 gives the same sequence; the c. name uses the placement nearest the transcript's 3' end. VCF-style (leftmost placement, unchanged base first): chr1-197268429-TTAAC-T. GRCh37 (hg19) VCF-style: chr1-197237559-TTAAC-T.
Other names: c.20_23del, p.Asn7fs (NM_001193640.2, NM_001257966.2); c.-212-34008_-212-34005del (NM_001257965.2); short protein forms N7fs.
Identifiers: ClinVar variation 1283919 (VCV001283919.6), dbSNP rs2125193925, ClinGen allele CA2499214373.